The following is an entry in ClinVar:

NM_001893.6(CSNK1D):c.1010C>T (p.Thr337Met)

Gene: CSNK1D (casein kinase 1 delta; minus strand). Cytogenetic location: 17q25.3.
Variant type: single nucleotide variant.
Coding change: c.1010C>T on transcript NM_001893.6 (MANE Select); coding-DNA position 1010, C replaced by T.
Protein change: p.Thr337Met; replaces threonine 337 with methionine.
Molecular consequence: missense variant. On other transcripts: non-coding transcript variant (1).
Genome position (GRCh38, 1-based): chr17:82,249,478, G>A on the plus strand (C>T on the coding strand, the complement: CSNK1D is on the minus strand). VCF-style: chr17-82249478-G-A. GRCh37 (hg19) VCF-style: chr17-80207354-G-A.
Other names: c.1010C>T, p.Thr337Met (NM_001363749.2, NM_139062.4); c.1010C>T (NM_139062.2); short protein forms T337M.
Identifiers: ClinVar variation 3269878 (VCV003269878.2).

ClinVar aggregate classification (germline): Uncertain significance. Review status: criteria provided, multiple submitters, no conflicts (2 of 4 stars). 2 submissions from 2 submitters: Uncertain significance (2). Last evaluated 2025-04-14.

Conditions:
CSNK1D-related disorder. Also called: CSNK1D-related condition.

gnomAD v4.1: 141 of 1,541,744 alleles (0.0091%); highest among the groups gnomAD compares: Non-Finnish European, 0.012%; no homozygotes.

Submissions (2):

PreventionGenetics, part of Exact Sciences
Classification: Uncertain significance for CSNK1D-related condition. Last evaluated: 2025-04-14. Review status: criteria provided, single submitter. Criteria: ACMG Guidelines, 2015. Collection method: clinical testing. Allele origin: germline.
Comment: The CSNK1D c.1010C>T variant is predicted to result in the amino acid substitution p.Thr337Met. To our knowledge, this variant has not been reported in the literature. This variant is reported in 0.0093% of alleles in individuals of East Asian descent in gnomAD. At this time, the clinical significance of this variant is uncertain due to the absence of conclusive functional and genetic evidence.

Ambry Genetics
Classification: Uncertain significance. Last evaluated: 2024-04-26. Review status: criteria provided, single submitter. Criteria: Ambry Variant Classification Scheme 2023. Collection method: clinical testing. Allele origin: germline.